The following is an entry in ClinVar:

ClinVar aggregate classification (germline): Benign (1 of 4 stars; one submission).

Allele frequency attached by ClinVar (database versions not stated): gnomAD exomes 0.00001 and 0.00005; gnomAD 0.00004 and 0.00005; TOPMed 0.00004; ExAC 0.00005; 1000 Genomes Project 30x 0.00016; 1000 Genomes Project 0.00020.
gnomAD v4.1: 30 of 1,612,532 alleles (0.0019%); highest among the groups gnomAD compares: East Asian, 0.033%; no homozygotes.

Submission:

Women's Health and Genetics/Laboratory Corporation of America, LabCorp
Classification: Benign. Last evaluated: 2022-05-09. Review status: criteria provided, single submitter. Criteria: LabCorp Variant Classification Summary - May 2015. Collection method: clinical testing. Allele origin: germline.
Comment: Variant summary: MRAS c.*11G>T alters a non-conserved nucleotide located in the untranslated mRNA region downstream of the termination codon. The variant allele was found at a frequency of 5.2e-05 in 250706 control chromosomes. The observed variant frequency is approximately 21 fold of the estimated maximal expected allele frequency for a pathogenic variant in MRAS causing Noonan Syndrome phenotype (2.5e-06), strongly suggesting that the variant is benign. To our knowledge, no occurrence of c.*11G>T in individuals affected with Noonan Syndrome and no experimental evidence demonstrating its impact on protein function have been reported. No clinical diagnostic laboratories have submitted clinical-significance assessments for this variant to ClinVar after 2014. Based on the evidence outlined above, the variant was classified as benign.

NM_001085049.3(MRAS):c.*11G>T

Gene: MRAS (muscle RAS oncogene homolog; plus strand). Cytogenetic location: 3q22.3.
Variant type: single nucleotide variant.
Coding change: c.*11G>T on transcript NM_001085049.3 (MANE Select); 11 bases downstream of the stop codon, G replaced by T.
Molecular consequence: 3 prime UTR variant.
Genome position (GRCh38, 1-based): chr3:138,402,280, G>T. VCF-style: chr3-138402280-G-T. GRCh37 (hg19) VCF-style: chr3-138121122-G-T.
Other names: c.*11G>T (NM_001252090.2, NM_001252091.1, NM_001252092.2 and 2 more transcripts).
Identifiers: ClinVar variation 1696301 (VCV001696301.1), dbSNP rs569173400, ClinGen allele CA2637069.